The following is an entry in ClinVar:

ClinVar aggregate classification (germline): Uncertain significance. Review status: criteria provided, multiple submitters, no conflicts (2 of 4 stars). 2 submissions from 2 submitters: Uncertain significance (2). Last evaluated 2025-03-18.

Conditions:
PEX1-related disorder. Also called: PEX1-related condition.
Zellweger spectrum disorders (ZS). Also called: Zellweger Spectrum Disorder (ZSD); Zellweger Spectrum Disorder; Zellweger Spectrum; Zellweger syndrome. Identifiers: Orphanet 912, MedGen C0043459, MONDO:0019609.

Allele frequency attached by ClinVar (database versions not stated): gnomAD exomes 0.00001; gnomAD 0.00002; TOPMed 0.00003.
gnomAD v4.1: 15 of 1,613,888 alleles (0.00093%); highest among the groups gnomAD compares: Non-Finnish European, 0.0013%; no homozygotes.

Submissions (2):

PreventionGenetics, part of Exact Sciences
Classification: Uncertain significance for PEX1-related condition. Last evaluated: 2025-03-18. Review status: criteria provided, single submitter. Criteria: ACMG Guidelines, 2015. Collection method: clinical testing. Allele origin: germline.
Comment: The PEX1 c.2336T>C variant is predicted to result in the amino acid substitution p.Phe779Ser. To our knowledge, this variant has not been reported in the literature. This variant is present in 0.0015% of alleles in individuals of European (Non-Finnish) descent in gnomAD. At this time, the clinical significance of this variant is uncertain due to the absence of conclusive functional and genetic evidence.

Labcorp Genetics (formerly Invitae), Labcorp
Classification: Uncertain significance for Zellweger spectrum disorders. Last evaluated: 2022-10-17. Review status: criteria provided, single submitter. Criteria: Invitae Variant Classification Sherloc (09022015). Collection method: clinical testing. Allele origin: germline.
Comment: This sequence change replaces phenylalanine, which is neutral and non-polar, with serine, which is neutral and polar, at codon 779 of the PEX1 protein (p.Phe779Ser). The frequency data for this variant in the population databases is considered unreliable, as metrics indicate poor data quality at this position in the gnomAD database. This variant has not been reported in the literature in individuals affected with PEX1-related conditions. Advanced modeling of protein sequence and biophysical properties (such as structural, functional, and spatial information, amino acid conservation, physicochemical variation, residue mobility, and thermodynamic stability) performed at Invitae indicates that this missense variant is expected to disrupt PEX1 protein function. In summary, the available evidence is currently insufficient to determine the role of this variant in disease. Therefore, it has been classified as a Variant of Uncertain Significance.

NM_000466.3(PEX1):c.2336T>C (p.Phe779Ser)

Gene: PEX1 (peroxisomal biogenesis factor 1; minus strand). Cytogenetic location: 7q21.2.
Variant type: single nucleotide variant.
Coding change: c.2336T>C on transcript NM_000466.3 (MANE Select); coding-DNA position 2336, T replaced by C.
Protein change: p.Phe779Ser; replaces phenylalanine 779 with serine.
Molecular consequence: missense variant.
Genome position (GRCh38, 1-based): chr7:92,501,970, A>G on the plus strand (T>C on the coding strand, the complement: PEX1 is on the minus strand). VCF-style: chr7-92501970-A-G. GRCh37 (hg19) VCF-style: chr7-92131284-A-G.
Other names: c.2336T>C (NM_000466.2); c.2165T>C, p.Phe722Ser (NM_001282677.2); c.1712T>C, p.Phe571Ser (NM_001282678.2); short protein forms F571S, F722S, F779S.
Identifiers: ClinVar variation 2072678 (VCV002072678.2), dbSNP rs1003716485, ClinGen allele CA161960369.
Genomic context (GRCh38, chr7:92,501,970, plus strand): 5'-TGACGAGAGAGTCGAGAATGTATGGCTCGATCCACAAGTACTGTAAAATCTCTAGCCACA[A>G]ACCCGCCAGTTTCTTTAGCTACATGCTGCAGGTCAAGATCGGTGAACTTGTTTATATCAC-3'
Protein context (NP_000457.1, residues 769-789): LQHVAKETGG[Phe779Ser]VARDFTVLVD